The following is an entry in ClinVar:

NM_001112741.2(KCNC1):c.1662C>A (p.Tyr554Ter)

Gene: KCNC1 (potassium voltage-gated channel subfamily C member 1; plus strand). Cytogenetic location: 11p15.1.
Variant type: single nucleotide variant.
Coding change: c.1662C>A on transcript NM_001112741.2 (MANE Select); coding-DNA position 1662, C replaced by A.
Protein change: p.Tyr554Ter; replaces tyrosine 554 with a stop codon.
Molecular consequence: nonsense.
Genome position (GRCh38, 1-based): chr11:17,779,613, C>A. VCF-style: chr11-17779613-C-A. GRCh37 (hg19) VCF-style: chr11-17801160-C-A.
Other names: short protein forms Y554*.
Identifiers: ClinVar variation 2707553 (VCV002707553.3), dbSNP rs578025939, ClinGen allele CA379814575.

ClinVar aggregate classification (germline): Uncertain significance (1 of 4 stars; one submission).

Conditions:
Progressive myoclonic epilepsy type 7. Identifiers: Orphanet 435438, MedGen C4015420, MONDO:0014521, OMIM 616187.

Submission:

Labcorp Genetics (formerly Invitae), Labcorp
Classification: Uncertain significance for Progressive myoclonic epilepsy type 7. Last evaluated: 2024-12-16. Review status: criteria provided, single submitter. Criteria: Invitae Variant Classification Sherloc (09022015). Collection method: clinical testing. Allele origin: germline.
Comment: This sequence change creates a premature translational stop signal (p.Tyr554*) in the KCNC1 gene. While this is not anticipated to result in nonsense mediated decay, it is expected to disrupt the last 32 amino acid(s) of the KCNC1 protein. This variant is not present in population databases (gnomAD no frequency). This variant has not been reported in the literature in individuals affected with KCNC1-related conditions. ClinVar contains an entry for this variant (Variation ID: 2707553). Experimental studies and prediction algorithms are not available or were not evaluated, and the functional significance of this variant is currently unknown. In summary, the available evidence is currently insufficient to determine the role of this variant in disease. Therefore, it has been classified as a Variant of Uncertain Significance.